The following is an entry in ClinVar:

ClinVar aggregate classification (germline): Uncertain significance (1 of 4 stars; one submission).

gnomAD v4.1: 6 of 1,605,216 alleles (0.00037%); highest among the groups gnomAD compares: Non-Finnish European, 0.00043%; no homozygotes.

Submission:

Ambry Genetics
Classification: Uncertain significance. Last evaluated: 2025-10-02. Review status: criteria provided, single submitter. Criteria: Ambry Variant Classification Scheme 2023. Collection method: clinical testing. Allele origin: germline.
Comment: The p.V536M variant (also known as c.1606G>A), located in coding exon 7 of the WNK2 gene, results from a G to A substitution at nucleotide position 1606. The valine at codon 536 is replaced by methionine, an amino acid with highly similar properties. This amino acid position is conserved. In addition, this alteration is predicted to be deleterious by in silico analysis. Based on the available evidence, the clinical significance of this variant remains unclear.

NM_006648.4(WNK2):c.1606G>A (p.Val536Met)

Gene: WNK2 (WNK lysine deficient protein kinase 2; plus strand). Cytogenetic location: 9q22.31.
Variant type: single nucleotide variant.
Coding change: c.1606G>A on transcript NM_006648.4 (MANE Select); coding-DNA position 1606, G replaced by A.
Protein change: p.Val536Met; replaces valine 536 with methionine.
Molecular consequence: missense variant.
Genome position (GRCh38, 1-based): chr9:93,247,606, G>A. VCF-style: chr9-93247606-G-A. GRCh37 (hg19) VCF-style: chr9-96009888-G-A.
Other names: c.1606G>A, p.Val536Met (NM_001282394.3); short protein forms V536M.
Identifiers: ClinVar variation 4605216 (VCV004605216.1).
Genomic context (GRCh38, chr9:93,247,606, plus strand): 5'-GAGTCTGGATTCTTCCACGAGAGTGACGTCAAGATCGTGGCCAAGTCCATCCGTGACCGC[G>A]TGGCCTTGATCCAGTGGCGGCGGGAGAGGATCTGGCCCGCGCTGCAGCCCAAGGAGCAGC-3'
Protein context (NP_006639.3, residues 526-546): KIVAKSIRDR[Val536Met]ALIQWRRERI